The following is an entry in ClinVar:

ClinVar aggregate classification (germline): Uncertain significance (1 of 4 stars; one submission).

Conditions:
Carney-Stratakis syndrome. Also called: PARAGANGLIOMA AND GASTROINTESTINAL STROMAL TUMOR. Identifiers: Orphanet 97286, MedGen C1847319, MONDO:0011740, OMIM 606864.
Pheochromocytoma. Also called: MAX-Related Hereditary Paraganglioma-Pheochromocytoma Syndrome. Identifiers: Orphanet 29072, MedGen C0031511, MONDO:0008233, OMIM 171300, HP:0002666.
Paragangliomas with sensorineural hearing loss. Identifiers: MedGen C1868633.
Cowden syndrome 3 (CWS3). Identifiers: Orphanet 201, MedGen CN166604, MONDO:0014045.

Submission:

Labcorp Genetics (formerly Invitae), Labcorp
Classification: Uncertain significance for Carney-Stratakis syndrome; Paragangliomas with sensorineural hearing loss; Pheochromocytoma; Cowden syndrome 3. Last evaluated: 2019-06-12. Review status: criteria provided, single submitter. Criteria: Invitae Variant Classification Sherloc (09022015). Collection method: clinical testing. Allele origin: germline.
Comment: In summary, the available evidence is currently insufficient to determine the role of this variant in disease. Therefore, it has been classified as a Variant of Uncertain Significance. Algorithms developed to predict the effect of missense changes on protein structure and function are either unavailable or do not agree on the potential impact of this missense change (SIFT: "Deleterious"; PolyPhen-2: "Probably Damaging"; Align-GVGD: "Class C0"). This variant has not been reported in the literature in individuals with SDHD-related conditions. This variant is not present in population databases (ExAC no frequency). This sequence change replaces alanine with threonine at codon 152 of the SDHD protein (p.Ala152Thr). The alanine residue is moderately conserved and there is a small physicochemical difference between alanine and threonine.

NM_003002.4(SDHD):c.454G>A (p.Ala152Thr)

Gene: SDHD (succinate dehydrogenase complex subunit D; plus strand). Cytogenetic location: 11q23.1.
Variant type: single nucleotide variant.
Coding change: c.454G>A on transcript NM_003002.4 (MANE Select); coding-DNA position 454, G replaced by A.
Protein change: p.Ala152Thr; replaces alanine 152 with threonine.
Molecular consequence: missense variant. On other transcripts: 3 prime UTR variant (2), non-coding transcript variant (1).
Genome position (GRCh38, 1-based): chr11:112,094,944, G>A. VCF-style: chr11-112094944-G-A. GRCh37 (hg19) VCF-style: chr11-111965668-G-A.
Other names: c.*51G>A (NM_001276503.2); c.337G>A, p.Ala113Thr (NM_001276504.2); c.*152G>A (NM_001276506.2); short protein forms A152T, A113T.
Identifiers: ClinVar variation 941660 (VCV000941660.11), dbSNP rs1865814160, ClinGen allele CA382619510.